The following is an entry in ClinVar:

NM_000038.6(APC):c.1994T>G (p.Leu665Ter)

Gene: APC (APC regulator of Wnt signaling pathway; plus strand). Cytogenetic location: 5q22.2.
Variant type: single nucleotide variant.
Coding change: c.1994T>G on transcript NM_000038.6 (MANE Select); coding-DNA position 1994, T replaced by G.
Protein change: p.Leu665Ter; replaces leucine 665 with a stop codon.
Molecular consequence: nonsense.
Genome position (GRCh38, 1-based): chr5:112,837,588, T>G. VCF-style: chr5-112837588-T-G. GRCh37 (hg19) VCF-style: chr5-112173285-T-G.
Other names: c.1994T>G, p.Leu665Ter (NM_001127510.3, NM_001354895.2); c.1940T>G, p.Leu647Ter (NM_001127511.3); c.2048T>G, p.Leu683Ter (NM_001354896.2); c.2024T>G, p.Leu675Ter (NM_001354897.2); c.1919T>G, p.Leu640Ter (NM_001354898.2); c.1910T>G, p.Leu637Ter (NM_001354899.2); c.1871T>G, p.Leu624Ter (NM_001354900.2); c.1817T>G, p.Leu606Ter (NM_001354901.2); and 5 more; short protein forms L505*, L539*, L624*, L564*, L574*, L606*, L647*, L382*.
Identifiers: ClinVar variation 940857 (VCV000940857.14), dbSNP rs1765084859, ClinGen allele CA16025674.

ClinVar aggregate classification (germline): Pathogenic. Review status: criteria provided, multiple submitters, no conflicts (2 of 4 stars). 3 submissions from 3 submitters: Pathogenic (3). Last evaluated 2025-01-29.

Conditions:
Familial adenomatous polyposis 1 (FAP1). Also called: FAMILIAL ADENOMATOUS POLYPOSIS 1, ATTENUATED; POLYPOSIS, ADENOMATOUS INTESTINAL. Identifiers: MedGen C2713442, MONDO:0021056, OMIM 175100. Disease mechanism: loss of function.
Hereditary cancer-predisposing syndrome. Also called: Hereditary neoplastic syndrome; Neoplastic Syndromes, Hereditary; Tumor predisposition; Hereditary Cancer Syndrome. Identifiers: Orphanet 140162, MedGen C0027672, MeSH D009386, MONDO:0015356.

Submissions (3):

Labcorp Genetics (formerly Invitae), Labcorp
Classification: Pathogenic for Familial adenomatous polyposis 1. Last evaluated: 2025-01-29. Review status: criteria provided, single submitter. Criteria: Invitae Variant Classification Sherloc (09022015). Collection method: clinical testing. Allele origin: germline.
Comment: This sequence change creates a premature translational stop signal (p.Leu665*) in the APC gene. While this is not anticipated to result in nonsense mediated decay, it is expected to disrupt the last 2179 amino acid(s) of the APC protein. This variant is not present in population databases (gnomAD no frequency). This variant has not been reported in the literature in individuals affected with APC-related conditions. ClinVar contains an entry for this variant (Variation ID: 940857). This variant is expected to disrupt the EB1 and HDLG binding sites, which mediate interactions with the cytoskeleton (PMID: 15311282, 17293347). While functional studies have not been performed to directly test the effect on APC protein function, this suggests that disruption of the C-terminal portion of the protein is functionally important. A different truncation (p.Tyr2645Lysfs*14) that lies downstream of this variant has been determined to be pathogenic (PMID: 9824584, 1316610, 27081525, 8381579, 22135120, internal data). This suggests that deletion of this region of the APC protein is causative of disease. For these reasons, this variant has been classified as Pathogenic.

Myriad Genetics, Inc.
Classification: Pathogenic for Familial adenomatous polyposis 1. Last evaluated: 2023-05-03. Review status: criteria provided, single submitter. Criteria: Myriad Autosomal Dominant, Autosomal Recessive and X-Linked Classification Criteria (2023). Collection method: clinical testing. Allele origin: unknown.
Comment: This variant is considered pathogenic. This variant creates a termination codon and is predicted to result in premature protein truncation.

Ambry Genetics
Classification: Pathogenic for Hereditary cancer-predisposing syndrome. Last evaluated: 2015-01-21. Review status: criteria provided, single submitter. Criteria: Ambry Variant Classification Scheme 2023. Collection method: clinical testing. Allele origin: germline.
Comment: The p.L665* pathogenic mutation (also known as c.1994T>G), located in coding exon 15 of the APC gene, results from a T to G substitution at nucleotide position 1994. This changes the amino acid from a leucine to a stop codon within coding exon 15. Since premature stop codons are typically deleterious in nature, this alteration is interpreted as a disease-causing mutation (ACMG Recommendations for Standards for Interpretation and Reporting of Sequence Variations. Revision 2007. Genet Med. 2008;10:294).

Literature cited by the submitters: PubMed 15311282 (cited by Labcorp Genetics (formerly Invitae), Labcorp); PubMed 17293347 (cited by Labcorp Genetics (formerly Invitae), Labcorp); PubMed 9824584 (cited by Labcorp Genetics (formerly Invitae), Labcorp); PubMed 1316610 (cited by Labcorp Genetics (formerly Invitae), Labcorp); PubMed 27081525 (cited by Labcorp Genetics (formerly Invitae), Labcorp); PubMed 8381579 (cited by Labcorp Genetics (formerly Invitae), Labcorp); PubMed 22135120 (cited by Labcorp Genetics (formerly Invitae), Labcorp).